The following is an entry in ClinVar:

NM_017999.5(RNF31):c.1751A>G (p.Gln584Arg)

Gene: RNF31 (ring finger protein 31; plus strand). Cytogenetic location: 14q12.
Variant type: single nucleotide variant.
Coding change: c.1751A>G on transcript NM_017999.5 (MANE Select); coding-DNA position 1751, A replaced by G.
Protein change: p.Gln584Arg; replaces glutamine 584 with arginine.
Molecular consequence: missense variant.
Genome position (GRCh38, 1-based): chr14:24,151,498, A>G. VCF-style: chr14-24151498-A-G. GRCh37 (hg19) VCF-style: chr14-24620707-A-G.
Other names: c.1298A>G, p.Gln433Arg (NM_001310332.2); short protein forms Q433R, Q584R.
Identifiers: ClinVar variation 1473142 (VCV001473142.8), dbSNP rs2038265740, ClinGen allele CA389298080.

ClinVar aggregate classification (germline): Uncertain significance (1 of 4 stars; one submission).

Submission:

Labcorp Genetics (formerly Invitae), Labcorp
Classification: Uncertain significance. Last evaluated: 2022-03-03. Review status: criteria provided, single submitter. Criteria: Invitae Variant Classification Sherloc (09022015). Collection method: clinical testing. Allele origin: germline.
Comment: In summary, the available evidence is currently insufficient to determine the role of this variant in disease. Therefore, it has been classified as a Variant of Uncertain Significance. Algorithms developed to predict the effect of missense changes on protein structure and function output the following: SIFT: "Tolerated"; PolyPhen-2: "Benign"; Align-GVGD: "Class C0". The arginine amino acid residue is found in multiple mammalian species, which suggests that this missense change does not adversely affect protein function. This variant has not been reported in the literature in individuals affected with RNF31-related conditions. This variant is not present in population databases (gnomAD no frequency). This sequence change replaces glutamine, which is neutral and polar, with arginine, which is basic and polar, at codon 584 of the RNF31 protein (p.Gln584Arg).